The following is an entry in ClinVar:

NM_001365276.2(TNXB):c.11555G>A (p.Arg3852His)

Genes: TNXB (tenascin XB; minus strand), LOC106780803 (tenascin XB recombination region; plus strand). Cytogenetic location: 6p21.33.
Variant type: single nucleotide variant.
Coding change: c.11555G>A on transcript NM_001365276.2 (MANE Select); coding-DNA position 11555, G replaced by A.
Protein change: p.Arg3852His; replaces arginine 3852 with histidine.
Molecular consequence: missense variant.
Genome position (GRCh38, 1-based): chr6:32,043,532, C>T on the plus strand (G>A on the coding strand, the complement: TNXB is on the minus strand). VCF-style: chr6-32043532-C-T. GRCh37 (hg19) VCF-style: chr6-32011309-C-T.
Other names: c.12296G>A, p.Arg4099His (NM_001428335.1); c.11549G>A, p.Arg3850His (NM_019105.8); c.842G>A, p.Arg281His (NM_032470.4); short protein forms R3852H, R3850H, R4099H, R281H.
Identifiers: ClinVar variation 3180898 (VCV003180898.21), dbSNP rs747379232, ClinGen allele CA3732933.

ClinVar aggregate classification (germline): Uncertain significance. Review status: criteria provided, multiple submitters, no conflicts (2 of 4 stars). 2 submissions from 2 submitters: Uncertain significance (2). Last evaluated 2024-04-01.

Conditions:
Cardiovascular phenotype. Identifiers: MedGen CN230736.

Submissions (2):

CeGaT Center for Human Genetics Tuebingen
Classification: Uncertain significance. Last evaluated: 2024-04-01. Review status: criteria provided, single submitter. Criteria: CeGaT Center For Human Genetics Tuebingen Variant Classification Criteria Version 2. Collection method: clinical testing. Allele origin: germline. Affected: yes. Observed: 1 variant allele.
Comment: TNXB: PM2, BP4

Ambry Genetics
Classification: Uncertain significance for Cardiovascular phenotype. Last evaluated: 2023-10-13. Review status: criteria provided, single submitter. Criteria: Ambry Variant Classification Scheme 2023. Collection method: clinical testing. Allele origin: germline.